The following is an entry in ClinVar:

NM_014055.4(IFT81):c.1731A>G (p.Gln577=)

Gene: IFT81 (intraflagellar transport 81; plus strand). Cytogenetic location: 12q24.11.
Variant type: single nucleotide variant.
Coding change: c.1731A>G on transcript NM_014055.4 (MANE Select); coding-DNA position 1731, A replaced by G.
Protein change: p.Gln577=; no amino-acid change (glutamine 577 retained).
Molecular consequence: synonymous variant. On other transcripts: non-coding transcript variant (4).
Genome position (GRCh38, 1-based): chr12:110,205,609, A>G. VCF-style: chr12-110205609-A-G. GRCh37 (hg19) VCF-style: chr12-110643414-A-G.
Other names: c.1731A>G, p.Gln577= (NM_001143779.2); c.801A>G, p.Gln267= (NM_001347947.2, NM_001347948.2); c.1731A>G (NM_014055.3).
Identifiers: ClinVar variation 1083729 (VCV001083729.12), dbSNP rs758528759, ClinGen allele CA6783470.

ClinVar aggregate classification (germline): Likely benign. Review status: criteria provided, multiple submitters, no conflicts (2 of 4 stars). 3 submissions from 3 submitters: Likely benign (2). 1 of the submissions does not count toward it. Last evaluated 2024-12-26.

Conditions:
IFT81-related disorder. Also called: IFT81-related condition.

Allele frequency attached by ClinVar (database versions not stated): gnomAD 0.00001; ExAC 0.00002; gnomAD exomes 0.00003 and 0.00004; TOPMed 0.00003.
gnomAD v4.1: 53 of 1,602,696 alleles (0.0033%); highest among the groups gnomAD compares: Non-Finnish European, 0.0045%; no homozygotes.

Submissions (3):

Labcorp Genetics (formerly Invitae), Labcorp
Classification: Likely benign. Last evaluated: 2024-12-26. Review status: criteria provided, single submitter. Criteria: Invitae Variant Classification Sherloc (09022015). Collection method: clinical testing. Allele origin: germline.

Blueprint Genetics
Classification: Likely benign. Last evaluated: 2019-09-03. Review status: criteria provided, single submitter. Criteria: ACMG Guidelines, 2015. Collection method: clinical testing. Allele origin: germline.

PreventionGenetics, part of Exact Sciences
Classification: Likely benign for IFT81-related condition. Last evaluated: 2019-05-10. Review status: no assertion criteria provided. Collection method: clinical testing. Allele origin: germline. Not counted in ClinVar's aggregate classification.
Comment: This variant is classified as likely benign based on ACMG/AMP sequence variant interpretation guidelines (Richards et al. 2015 PMID: 25741868, with internal and published modifications).